The following is an entry in ClinVar:

NM_000744.7(CHRNA4):c.1696C>T (p.Arg566Trp)

Gene: CHRNA4 (cholinergic receptor nicotinic alpha 4 subunit; minus strand). Cytogenetic location: 20q13.33.
Variant type: single nucleotide variant.
Coding change: c.1696C>T on transcript NM_000744.7 (MANE Select); coding-DNA position 1696, C replaced by T.
Protein change: p.Arg566Trp; replaces arginine 566 with tryptophan.
Molecular consequence: missense variant. On other transcripts: non-coding transcript variant (1).
Genome position (GRCh38, 1-based): chr20:63,349,715, G>A on the plus strand (C>T on the coding strand, the complement: CHRNA4 is on the minus strand). VCF-style: chr20-63349715-G-A. GRCh37 (hg19) VCF-style: chr20-61981067-G-A.
Other names: p.Arg566Trp; c.1696C>T (NM_000744.6, NM_000744.5); c.1168C>T, p.Arg390Trp (NM_001256573.2); short protein forms R390W, R566W.
Identifiers: ClinVar variation 1013626 (VCV001013626.43), dbSNP rs201674914, ClinGen allele CA317431601.

ClinVar aggregate classification (germline): Conflicting classifications of pathogenicity. Review status: criteria provided, conflicting classifications (1 of 4 stars). 4 submissions from 4 submitters: Uncertain significance (3); Likely benign (1). Last evaluated 2025-11-17.

Conditions:
Familial sleep-related hypermotor epilepsy. Also called: Autosomal Dominant Sleep-Related Hypermotor (Hyperkinetic) Epilepsy. Identifiers: Orphanet 98784, MedGen C3696898, MONDO:0000030.
Inborn genetic diseases. Identifiers: MedGen C0950123, MeSH D030342.

Allele frequency attached by ClinVar (database versions not stated): gnomAD 0.00001; gnomAD exomes 0.00001 and 0.00002; TOPMed 0.00001.
gnomAD v4.1: 10 of 1,612,734 alleles (0.00062%); highest among the groups gnomAD compares: Admixed American, 0.0033%; no homozygotes.

Submissions (4):

Labcorp Genetics (formerly Invitae), Labcorp
Classification: Uncertain significance. Last evaluated: 2025-11-17. Review status: criteria provided, single submitter. Criteria: Invitae Variant Classification Sherloc (09022015). Collection method: clinical testing. Allele origin: germline.
Comment: This sequence change replaces arginine, which is basic and polar, with tryptophan, which is neutral and slightly polar, at codon 566 of the CHRNA4 protein (p.Arg566Trp). This variant is present in population databases (rs201674914, gnomAD 0.007%). This variant has not been reported in the literature in individuals affected with CHRNA4-related conditions. ClinVar contains an entry for this variant (Variation ID: 1013626). Invitae Evidence Modeling of protein sequence and biophysical properties (such as structural, functional, and spatial information, amino acid conservation, physicochemical variation, residue mobility, and thermodynamic stability) indicates that this missense variant is not expected to disrupt CHRNA4 protein function with a negative predictive value of 80%. In summary, the available evidence is currently insufficient to determine the role of this variant in disease. Therefore, it has been classified as a Variant of Uncertain Significance.

Ambry Genetics
Classification: Likely benign for Inborn genetic diseases. Last evaluated: 2025-04-13. Review status: criteria provided, single submitter. Criteria: Ambry Variant Classification Scheme 2023. Collection method: clinical testing. Allele origin: germline.

Mayo Clinic Laboratories, Mayo Clinic
Classification: Uncertain significance. Last evaluated: 2024-06-06. Review status: criteria provided, single submitter. Criteria: ACMG Guidelines, 2015. Collection method: clinical testing. Allele origin: germline. Observed: 1 variant allele.

CeGaT Center for Human Genetics Tuebingen
Classification: Uncertain significance. Last evaluated: 2021-12-01. Review status: criteria provided, single submitter. Criteria: CeGaT Center For Human Genetics Tuebingen Variant Classification Criteria Version 2. Collection method: clinical testing. Allele origin: germline. Affected: yes. Observed: 2 variant alleles.